The following is an entry in ClinVar:

NM_000260.4(MYO7A):c.6184G>A (p.Glu2062Lys)

Gene: MYO7A (myosin VIIA; plus strand). Cytogenetic location: 11q13.5.
Variant type: single nucleotide variant.
Coding change: c.6184G>A on transcript NM_000260.4 (MANE Select); coding-DNA position 6184, G replaced by A.
Protein change: p.Glu2062Lys; replaces glutamic acid 2062 with lysine.
Molecular consequence: missense variant.
Genome position (GRCh38, 1-based): chr11:77,211,284, G>A. VCF-style: chr11-77211284-G-A. GRCh37 (hg19) VCF-style: chr11-76922329-G-A.
Other names: c.6070G>A, p.Glu2024Lys (NM_001127180.2); c.6037G>A, p.Glu2013Lys (NM_001369365.1); short protein forms E2062K, E2013K, E2024K.
Identifiers: ClinVar variation 4769099 (VCV004769099.1).

ClinVar aggregate classification (germline): Uncertain significance (1 of 4 stars; one submission).

Submission:

Labcorp Genetics (formerly Invitae), Labcorp
Classification: Uncertain significance. Last evaluated: 2025-02-06. Review status: criteria provided, single submitter. Criteria: Invitae Variant Classification Sherloc (09022015). Collection method: clinical testing. Allele origin: germline.
Comment: This sequence change replaces glutamic acid, which is acidic and polar, with lysine, which is basic and polar, at codon 2062 of the MYO7A protein (p.Glu2062Lys). The frequency data for this variant in the population databases is considered unreliable, as metrics indicate poor data quality at this position in the gnomAD database. This variant has not been reported in the literature in individuals affected with MYO7A-related conditions. Invitae Evidence Modeling of protein sequence and biophysical properties (such as structural, functional, and spatial information, amino acid conservation, physicochemical variation, residue mobility, and thermodynamic stability) indicates that this missense variant is not expected to disrupt MYO7A protein function with a negative predictive value of 95%. In summary, the available evidence is currently insufficient to determine the role of this variant in disease. Therefore, it has been classified as a Variant of Uncertain Significance.